The following is an entry in ClinVar:

ClinVar aggregate classification (germline): Uncertain significance. Review status: criteria provided, multiple submitters, no conflicts (2 of 4 stars). 2 submissions from 2 submitters: Uncertain significance (2). Last evaluated 2022-10-20.

Conditions:
Wiedemann-Steiner syndrome (WDSTS). Also called: Growth deficiency and mental retardation with facial dysmorphism. Identifiers: Orphanet 319182, MedGen C1854630, MONDO:0011518, OMIM 605130.

Submissions (2):

Labcorp Genetics (formerly Invitae), Labcorp
Classification: Uncertain significance. Last evaluated: 2022-10-20. Review status: criteria provided, single submitter. Criteria: Invitae Variant Classification Sherloc (09022015). Collection method: clinical testing. Allele origin: germline.
Comment: This sequence change replaces serine, which is neutral and polar, with arginine, which is basic and polar, at codon 504 of the KMT2A protein (p.Ser504Arg). This variant is not present in population databases (gnomAD no frequency). This variant has not been reported in the literature in individuals affected with KMT2A-related conditions. ClinVar contains an entry for this variant (Variation ID: 1683551). Advanced modeling of protein sequence and biophysical properties (such as structural, functional, and spatial information, amino acid conservation, physicochemical variation, residue mobility, and thermodynamic stability) performed at Invitae indicates that this missense variant is not expected to disrupt KMT2A protein function. In summary, the available evidence is currently insufficient to determine the role of this variant in disease. Therefore, it has been classified as a Variant of Uncertain Significance.

Laboratorio de Genetica e Diagnostico Molecular, Hospital Israelita Albert Einstein
Classification: Uncertain significance for Wiedemann-Steiner syndrome. Last evaluated: 2022-01-05. Review status: criteria provided, single submitter. Criteria: ACMG Guidelines, 2015. Collection method: clinical testing. Allele origin: germline. Affected: yes.
Comment: ACMG classification criteria: PM2 moderate, BP4 supporting

NM_001197104.2(KMT2A):c.1512C>A (p.Ser504Arg)

Gene: KMT2A (lysine methyltransferase 2A; plus strand). Cytogenetic location: 11q23.3.
Variant type: single nucleotide variant.
Coding change: c.1512C>A on transcript NM_001197104.2 (MANE Select); coding-DNA position 1512, C replaced by A.
Protein change: p.Ser504Arg; replaces serine 504 with arginine.
Molecular consequence: missense variant.
Genome position (GRCh38, 1-based): chr11:118,472,671, C>A. VCF-style: chr11-118472671-C-A. GRCh37 (hg19) VCF-style: chr11-118343386-C-A.
Other names: c.1512C>A, p.Ser504Arg (NM_005933.4); short protein forms S504R.
Identifiers: ClinVar variation 1683551 (VCV001683551.7), dbSNP rs1555036041, ClinGen allele CA382810269.